The following is an entry in ClinVar:

ClinVar aggregate classification (germline): Pathogenic/Likely pathogenic. Review status: criteria provided, multiple submitters, no conflicts (2 of 4 stars). 4 submissions from 4 submitters: Pathogenic (1); Likely pathogenic (3). Last evaluated 2025-12-22.

Conditions:
F11-related disorder. Also called: F11-related condition.
Plasma factor XI deficiency.
Hereditary factor XI deficiency disease. Also called: PLASMA THROMBOPLASTIN ANTECEDENT DEFICIENCY; PTA DEFICIENCY; ROSENTHAL SYNDROME; Congenital factor XI deficiency. Identifiers: Orphanet 329, MedGen C0015523, MeSH D005173, MONDO:0012897, OMIM 612416.

Allele frequency attached by ClinVar (database versions not stated): gnomAD 0.00001 and 0.00003.

Submissions (4):

PreventionGenetics, part of Exact Sciences
Classification: Likely pathogenic for F11-related condition. Last evaluated: 2025-12-22. Review status: criteria provided, single submitter. Criteria: ACMG Guidelines, 2015. Collection method: clinical testing. Allele origin: germline.
Comment: The F11 c.3G>T variant is predicted to disrupt the translation initiation site (Start Loss). This variant is alternatively referred to as p.Met-18Ile using legacy nomenclature. This variant was reported in asymptomatic heterozygous carriers and compound heterozygous individuals with factor XI deficiency (Mitchell et al. 2007. PubMed ID: 17549289). Expression studies indicate this variant results in a cross-reactive material-negative phenotype (Mitchell et al. 2006. PubMed ID: 16835901). This variant is reported in 0.011% of alleles in individuals of African descent in gnomAD. This variant is interpreted as likely pathogenic.

Natera, Inc.
Classification: Pathogenic for Plasma factor XI deficiency. Last evaluated: 2024-08-19. Review status: criteria provided, single submitter. Criteria: Natera Variant Classification Schema (03/2026). Collection method: clinical testing. Allele origin: germline.
Comment: The c.3G>T variant in F11 is predicted to result in start loss due to disruption of the initiator methionine. This variant is expected to result in nonsense mediated decay, truncation, or a dysfunctional protein product. This variant is rare in the general population with a frequency below the threshold expected for the associated phenotype(s). This variant has been observed in one or more individuals affected with the associated recessive disease, as either homozygous or compound heterozygous with a second variant (PMID: 17549289). Functional studies show that this variant may disrupt protein function (PMID: 17549289). Given the available evidence, this variant is classified as Pathogenic.

Fulgent Genetics
Classification: Likely pathogenic for Hereditary factor XI deficiency disease. Last evaluated: 2022-04-09. Review status: criteria provided, single submitter. Criteria: ACMG Guidelines, 2015. Collection method: clinical testing. Allele origin: unknown.

Eurofins Ntd Llc (ga)
Classification: Likely pathogenic. Last evaluated: 2016-11-02. Review status: criteria provided, single submitter. Criteria: EGL Classification Definitions 2015. Collection method: clinical testing. Allele origin: germline. Observed: 1 variant allele, 1 heterozygote.

Literature cited by the submitters: PubMed 17549289 (cited by Natera, Inc.).

NM_000128.4(F11):c.3G>T (p.Met1Ile)

Gene: F11 (coagulation factor XI; plus strand). Cytogenetic location: 4q35.2.
Variant type: single nucleotide variant.
Coding change: c.3G>T on transcript NM_000128.4 (MANE Select); coding-DNA position 3, G replaced by T.
Protein change: p.Met1Ile; changes the start codon (methionine 1).
Molecular consequence: missense variant, initiator codon variant.
Genome position (GRCh38, 1-based): chr4:186,267,139, G>T. VCF-style: chr4-186267139-G-T. GRCh37 (hg19) VCF-style: chr4-187188293-G-T.
Other names: c.3G>T (NM_000128.3); c.3G>T, p.Met1Ile (NM_001354804.2); short protein forms M1I.
Identifiers: ClinVar variation 497493 (VCV000497493.9), dbSNP rs755700350, ClinGen allele CA112146686.